The following is an entry in ClinVar:

ClinVar aggregate classification (germline): Uncertain significance. Review status: criteria provided, multiple submitters, no conflicts (2 of 4 stars). 2 submissions from 2 submitters: Uncertain significance (2). Last evaluated 2019-03-19.

Conditions:
Hereditary cancer-predisposing syndrome. Also called: Hereditary Cancer Syndrome; Hereditary neoplastic syndrome; Neoplastic Syndromes, Hereditary; Tumor predisposition. Identifiers: Orphanet 140162, MedGen C0027672, MeSH D009386, MONDO:0015356.
Familial cancer of breast. Also called: BREAST CANCER, FAMILIAL; Hereditary breast cancer; hereditary breast carcinoma. Identifiers: Orphanet 227535, MedGen C0346153, MONDO:0016419, OMIM 114480. Disease mechanism: loss of function.

Submissions (2):

Color Diagnostics, LLC DBA Color Health
Classification: Uncertain significance for Hereditary cancer-predisposing syndrome. Last evaluated: 2019-03-19. Review status: criteria provided, single submitter. Criteria: ACMG Guidelines, 2015. Collection method: clinical testing. Allele origin: germline.

Labcorp Genetics (formerly Invitae), Labcorp
Classification: Uncertain significance for Familial cancer of breast. Last evaluated: 2016-04-10. Review status: criteria provided, single submitter. Criteria: Invitae Variant Classification Sherloc (09022015). Collection method: clinical testing. Allele origin: germline.
Comment: This sequence change replaces arginine with glycine at codon 529 of the BARD1 protein (p.Arg529Gly). The arginine residue is highly conserved and there is a moderate physicochemical difference between arginine and glycine. This variant is not present in population databases (ExAC no frequency) and has not been reported in the literature in individuals with a BARD1-related disease. In summary, this variant is a novel missense change with uncertain impact on protein function. It has been classified as a Variant of Uncertain Significance. Algorithms developed to predict the effect of missense changes on protein structure and function (SIFT, PolyPhen-2, Align-GVGD) all suggest that this variant is likely to be disruptive, but these predictions have not been confirmed by published functional studies.

NM_000465.4(BARD1):c.1585C>G (p.Arg529Gly)

Gene: BARD1 (BRCA1 associated RING domain 1; minus strand). Cytogenetic location: 2q35.
Variant type: single nucleotide variant.
Coding change: c.1585C>G on transcript NM_000465.4 (MANE Select); coding-DNA position 1585, C replaced by G.
Protein change: p.Arg529Gly; replaces arginine 529 with glycine.
Molecular consequence: missense variant. On other transcripts: non-coding transcript variant (3), intron variant (1).
Genome position (GRCh38, 1-based): chr2:214,752,539, G>C on the plus strand (C>G on the coding strand, the complement: BARD1 is on the minus strand). VCF-style: chr2-214752539-G-C. GRCh37 (hg19) VCF-style: chr2-215617263-G-C.
Other names: c.1528C>G, p.Arg510Gly (NM_001282543.2); c.232C>G, p.Arg78Gly (NM_001282545.2); c.175C>G, p.Arg59Gly (NM_001282548.2); c.365-22031C>G (NM_001282549.2); short protein forms R529G, R59G, R510G, R78G.
Identifiers: ClinVar variation 406762 (VCV000406762.13), dbSNP rs375515606, ClinGen allele CA16610688.